The following is an entry in ClinVar:

ClinVar aggregate classification (germline): Uncertain significance. Review status: criteria provided, multiple submitters, no conflicts (2 of 4 stars). 2 submissions from 2 submitters: Uncertain significance (2). Last evaluated 2026-01-06.

Conditions:
Dilated cardiomyopathy 1W (CMD1W). Identifiers: Orphanet 154, MedGen C1969639, MONDO:0012667, OMIM 611407.

Submissions (2):

GeneDx
Classification: Uncertain significance. Last evaluated: 2026-01-06. Review status: criteria provided, single submitter. Criteria: GeneDx Variant Classification Process June 2021. Collection method: clinical testing. Allele origin: germline.
Comment: Not observed at significant frequency in large population cohorts (gnomAD); In silico analysis supports that this missense variant has a deleterious effect on protein structure/function; Has not been previously published as pathogenic or benign to our knowledge

Labcorp Genetics (formerly Invitae), Labcorp
Classification: Uncertain significance for Dilated cardiomyopathy 1W. Last evaluated: 2025-12-24. Review status: criteria provided, single submitter. Criteria: Invitae Variant Classification Sherloc (09022015). Collection method: clinical testing. Allele origin: germline.
Comment: This sequence change replaces aspartic acid, which is acidic and polar, with valine, which is neutral and non-polar, at codon 67 of the VCL protein (p.Asp67Val). This variant is not present in population databases (gnomAD no frequency). This variant has not been reported in the literature in individuals affected with VCL-related conditions. ClinVar contains an entry for this variant (Variation ID: 3342945). An algorithm developed to predict the effect of missense changes on protein structure and function (PolyPhen-2) suggests that this variant is likely to be disruptive. In summary, the available evidence is currently insufficient to determine the role of this variant in disease. Therefore, it has been classified as a Variant of Uncertain Significance.

NM_014000.3(VCL):c.200A>T (p.Asp67Val)

Gene: VCL (vinculin; plus strand). Cytogenetic location: 10q22.2.
Variant type: single nucleotide variant.
Coding change: c.200A>T on transcript NM_014000.3 (MANE Select); coding-DNA position 200, A replaced by T.
Protein change: p.Asp67Val; replaces aspartic acid 67 with valine.
Molecular consequence: missense variant.
Genome position (GRCh38, 1-based): chr10:74,043,114, A>T. VCF-style: chr10-74043114-A-T. GRCh37 (hg19) VCF-style: chr10-75802872-A-T.
Other names: c.200A>T, p.Asp67Val (NM_003373.4); short protein forms D67V.
Identifiers: ClinVar variation 3342945 (VCV003342945.3).